The following is an entry in ClinVar:

NM_000052.7(ATP7A):c.2365G>T (p.Val789Leu)

Gene: ATP7A (ATPase copper transporting alpha; plus strand). Cytogenetic location: Xq21.1.
Variant type: single nucleotide variant.
Coding change: c.2365G>T on transcript NM_000052.7 (MANE Select); coding-DNA position 2365, G replaced by T.
Protein change: p.Val789Leu; replaces valine 789 with leucine.
Molecular consequence: missense variant. On other transcripts: intron variant (1).
Genome position (GRCh38, 1-based): chrX:78,013,071, G>T. VCF-style: chrX-78013071-G-T. GRCh37 (hg19) VCF-style: chrX-77268568-G-T.
Other names: c.2172+1397G>T (NM_001282224.2); short protein forms V789L.
Identifiers: ClinVar variation 841059 (VCV000841059.10), dbSNP rs781834675, ClinGen allele CA413599485.

ClinVar aggregate classification (germline): Uncertain significance. Review status: criteria provided, single submitter (1 of 4 stars). 2 submissions from 2 submitters: Uncertain significance (1). 1 of the submissions does not count toward it. Last evaluated 2024-06-05.

Conditions:
Menkes kinky-hair syndrome (MNK). Also called: Copper transport disease; Classic Menkes Disease; Menkes Disease. Identifiers: Orphanet 565, MedGen C0022716, MONDO:0010651, OMIM 309400.
Cutis laxa, X-linked (OHS). Also called: EDS IX; Occipital horn syndrome. Identifiers: Orphanet 198, MedGen C0268353, MONDO:0010572, OMIM 304150.
X-linked distal spinal muscular atrophy type 3. Also called: SPINAL MUSCULAR ATROPHY, DISTAL, X-LINKED RECESSIVE; ATP7A-Related Distal Motor Neuropathy; NEURONOPATHY, DISTAL HEREDITARY MOTOR, X-LINKED; NEUROPATHY, DISTAL HEREDITARY MOTOR, X-LINKED. Identifiers: Orphanet 139557, MedGen C1845359, MONDO:0010338, OMIM 300489.

Submissions (2):

Labcorp Genetics (formerly Invitae), Labcorp
Classification: Uncertain significance for X-linked distal spinal muscular atrophy type 3; Cutis laxa, X-linked; Menkes kinky-hair syndrome. Last evaluated: 2024-06-05. Review status: criteria provided, single submitter. Criteria: Invitae Variant Classification Sherloc (09022015). Collection method: clinical testing. Allele origin: germline.
Comment: This sequence change replaces valine, which is neutral and non-polar, with leucine, which is neutral and non-polar, at codon 789 of the ATP7A protein (p.Val789Leu). This variant is not present in population databases (gnomAD no frequency). This variant has not been reported in the literature in individuals affected with ATP7A-related conditions. ClinVar contains an entry for this variant (Variation ID: 841059). Advanced modeling of protein sequence and biophysical properties (such as structural, functional, and spatial information, amino acid conservation, physicochemical variation, residue mobility, and thermodynamic stability) performed at Invitae indicates that this missense variant is not expected to disrupt ATP7A protein function with a negative predictive value of 95%. In summary, the available evidence is currently insufficient to determine the role of this variant in disease. Therefore, it has been classified as a Variant of Uncertain Significance.

Natera, Inc.
Classification: Uncertain significance for Menkes kinky hair syndrome. Last evaluated: 2020-07-08. Review status: no assertion criteria provided. Collection method: clinical testing. Allele origin: germline. Not counted in ClinVar's aggregate classification.